The following is an entry in ClinVar:

NM_000036.3(AMPD1):c.1166A>T (p.Asp389Val)

Gene: AMPD1 (adenosine monophosphate deaminase 1; minus strand). Cytogenetic location: 1p13.2.
Variant type: single nucleotide variant.
Coding change: c.1166A>T on transcript NM_000036.3 (MANE Select); coding-DNA position 1166, A replaced by T.
Protein change: p.Asp389Val; replaces aspartic acid 389 with valine.
Molecular consequence: missense variant.
Genome position (GRCh38, 1-based): chr1:114,677,968, T>A on the plus strand (A>T on the coding strand, the complement: AMPD1 is on the minus strand). VCF-style: chr1-114677968-T-A. GRCh37 (hg19) VCF-style: chr1-115220589-T-A.
Other names: c.1154A>T, p.Asp385Val (NM_001172626.2); short protein forms D385V, D389V.
Identifiers: ClinVar variation 2173089 (VCV002173089.4), dbSNP rs2526352021, ClinGen allele CA341749075.
Genomic context (GRCh38, chr1:114,677,968, plus strand): 5'-ACCTTGATGATAGTGGCAAAATATTCCCCATTAATGTAATTGTCTGTCTTCAAGTAGAGG[T>A]CCCGTAGCTCACTTGCTCCTACAGGATTATATTTGTCATTGAACTTATCAAAACGCTGGA-3'
Protein context (NP_000027.3, residues 379-399): YNPVGASELR[Asp389Val]LYLKTDNYIN

ClinVar aggregate classification (germline): Uncertain significance (1 of 4 stars; one submission).

Conditions:
Muscle AMP deaminase deficiency (MMDD). Also called: Myoadenylate deaminase deficiency, myopathy due to; Adenosine monophosphate deaminase 1 deficiency; AMP deaminase 1 deficiency; Adenosine Monophosphate Deaminase 1; ADENOSINE MONOPHOSPHATE DEAMINASE-1 DEFICIENCY, MYOPATHY DUE TO; AMPD1 DEFICIENCY. Identifiers: Orphanet 45, MedGen C3714933, MONDO:0014220, OMIM 615511.

Allele frequency attached by ClinVar (database versions not stated): gnomAD exomes below 0.00001.
gnomAD v4.1: 1 of 1,613,768 alleles (0.000062%); highest among the groups gnomAD compares: Non-Finnish European, 0.000085%; no homozygotes.

Submission:

Labcorp Genetics (formerly Invitae), Labcorp
Classification: Uncertain significance for Muscle AMP deaminase deficiency. Last evaluated: 2022-03-09. Review status: criteria provided, single submitter. Criteria: Invitae Variant Classification Sherloc (09022015). Collection method: clinical testing. Allele origin: germline.
Comment: This sequence change replaces aspartic acid, which is acidic and polar, with valine, which is neutral and non-polar, at codon 422 of the AMPD1 protein (p.Asp422Val). This variant is not present in population databases (gnomAD no frequency). This variant has not been reported in the literature in individuals affected with AMPD1-related conditions. Algorithms developed to predict the effect of missense changes on protein structure and function (SIFT, PolyPhen-2, Align-GVGD) all suggest that this variant is likely to be disruptive. In summary, the available evidence is currently insufficient to determine the role of this variant in disease. Therefore, it has been classified as a Variant of Uncertain Significance.